The following is an entry in ClinVar:

ClinVar aggregate classification (germline): Pathogenic. Review status: criteria provided, multiple submitters, no conflicts (2 of 4 stars). 6 submissions from 6 submitters: Pathogenic (4). 2 of the submissions do not count toward it. Last evaluated 2026-08-04.

Conditions:
Hereditary spastic paraplegia 4. Also called: Familial spastic paraplegia autosomal dominant 2; Spastic Paraplegia 4; Spastic paraplegia 4, autosomal dominant. Identifiers: Orphanet 100985, MedGen C1866855, MONDO:0008438, OMIM 182601.
Tics. Also called: Tic disorder. Identifiers: MedGen C2169806, MONDO:0002420, HP:0100033.

Submissions (6):

Population and Medical Genomics Lab, Sidra Medicine
Classification: Pathogenic for Hereditary spastic paraplegia 4. Last evaluated: 2026-08-04. Review status: criteria provided, single submitter. Criteria: ACMG Guidelines, 2015. Collection method: research. Allele origin: de novo. Inheritance: Autosomal dominant inheritance. Affected: yes. Observed: 1 variant allele, 1 heterozygote.
Comment: The Asp441Glu variant is a de novo variant not present in gnomAD, (PM2), located in a mutational hotspot (PM1), in silico prediction tools-CADD, REVEL, AlphaMissense predicts its deleterious effect (PP3), and this is a novel missense change at an amino acid residue where different pathogenic missense change has been reported (chr2-32136877 A>T, chr2-32136877 A>G, chr2-32136638 G>T where the change was Asp441Tyr, Asp441Val, Asp441Gly) (PM5). In summary, the Asp441Glu meets the criteria to be classified as pathogenic.

GeneDx
Classification: Pathogenic. Last evaluated: 2023-12-18. Review status: criteria provided, single submitter. Criteria: GeneDx Variant Classification Process June 2021. Collection method: clinical testing. Allele origin: germline. Affected: yes.
Comment: Reported previously in several family members with spastic paraplegia (PMID: 11039577); Not observed at significant frequency in large population cohorts (gnomAD); In silico analysis supports that this missense variant has a deleterious effect on protein structure/function; This variant is associated with the following publications: (PMID: 30476002, 32989326, 11039577)

Labcorp Genetics (formerly Invitae), Labcorp
Classification: Pathogenic for Hereditary spastic paraplegia 4. Last evaluated: 2023-07-17. Review status: criteria provided, single submitter. Criteria: Invitae Variant Classification Sherloc (09022015). Collection method: clinical testing. Allele origin: germline.
Comment: For these reasons, this variant has been classified as Pathogenic. An algorithm developed to predict the effect of missense changes on protein structure and function (PolyPhen-2) suggests that this variant is likely to be disruptive. ClinVar contains an entry for this variant (Variation ID: 5664). This missense change has been observed in individuals with hereditary spastic paraplegia (PMID: 11039577, 16788734, 17100993, 17971434). It has also been observed to segregate with disease in related individuals. This variant is not present in population databases (gnomAD no frequency). This sequence change replaces aspartic acid, which is acidic and polar, with glycine, which is neutral and non-polar, at codon 441 of the SPAST protein (p.Asp441Gly).

Paris Brain Institute, Inserm - ICM
Classification: Pathogenic for Hereditary spastic paraplegia 4. Review status: criteria provided, single submitter. Criteria: ACMG Guidelines, 2015. Collection method: clinical testing. Allele origin: unknown. Affected: yes. Observed: 1 variant allele.

Yale Center for Mendelian Genomics, Yale University
Classification: Uncertain significance for Tics. Last evaluated: 2020-09-28. Review status: no assertion criteria provided. Collection method: literature only. Allele origin: de novo. Affected: yes. Observed: 1 heterozygote. Study: Yale Center for Mendelian Genomics. Not counted in ClinVar's aggregate classification.

OMIM
Classification: Pathogenic for SPASTIC PARAPLEGIA 4. Last evaluated: 2000-10-01. Review status: no assertion criteria provided. Collection method: literature only. Allele origin: germline. Not counted in ClinVar's aggregate classification.

Literature cited by the submitters: PubMed 11039577 (cited by Labcorp Genetics (formerly Invitae), Labcorp and OMIM); PubMed 16788734 (cited by Labcorp Genetics (formerly Invitae), Labcorp); PubMed 17100993 (cited by Labcorp Genetics (formerly Invitae), Labcorp); PubMed 17971434 (cited by Labcorp Genetics (formerly Invitae), Labcorp); PubMed 32989326 (cited by Yale Center for Mendelian Genomics, Yale University); PubMed 10493830 (cited by OMIM).

NM_014946.4(SPAST):c.1322A>G (p.Asp441Gly)

Gene: SPAST (spastin; plus strand). Cytogenetic location: 2p22.3.
Variant type: single nucleotide variant.
Coding change: c.1322A>G on transcript NM_014946.4 (MANE Select); coding-DNA position 1322, A replaced by G.
Protein change: p.Asp441Gly; replaces aspartic acid 441 with glycine.
Molecular consequence: missense variant.
Genome position (GRCh38, 1-based): chr2:32,136,877, A>G. VCF-style: chr2-32136877-A-G. GRCh37 (hg19) VCF-style: chr2-32361946-A-G.
Other names: c.1319A>G, p.Asp440Gly (NM_001363823.2); c.1223A>G, p.Asp408Gly (NM_001363875.2); c.1226A>G, p.Asp409Gly (NM_001377959.1, NM_199436.2); short protein forms D441G, D440G, D408G, D409G.
Identifiers: ClinVar variation 5664 (VCV000005664.17), dbSNP rs121908512, ClinGen allele CA253555.
Genomic context (GRCh38, chr2:32,136,877, plus strand): 5'-TCTCAGATGACTCACATAGCTTGGTCTTTAATTAAAGTCTTATACTTGTATTTCCTCTAG[A>G]TGAAGTTGATAGCCTTTTGTGTGAAAGAAGAGAAGGGGAGCACGATGCTAGTAGACGCCT-3'
Protein context (NP_055761.2, residues 431-451): RELQPSIIFI[Asp441Gly]EVDSLLCERR